The following is an entry in ClinVar:

NM_032119.4(ADGRV1):c.18086T>C (p.Ile6029Thr)

Gene: ADGRV1 (adhesion G protein-coupled receptor V1; plus strand). Cytogenetic location: 5q14.3.
Variant type: single nucleotide variant.
Coding change: c.18086T>C on transcript NM_032119.4 (MANE Select); coding-DNA position 18086, T replaced by C.
Protein change: p.Ile6029Thr; replaces isoleucine 6029 with threonine.
Molecular consequence: missense variant. On other transcripts: non-coding transcript variant (1).
Genome position (GRCh38, 1-based): chr5:90,985,456, T>C. VCF-style: chr5-90985456-T-C. GRCh37 (hg19) VCF-style: chr5-90281273-T-C.
Other names: short protein forms I6029T.
Identifiers: ClinVar variation 2003446 (VCV002003446.4), dbSNP rs2531718487, ClinGen allele CA360429271.
Genomic context (GRCh38, chr5:90,985,456, plus strand): 5'-GATATCTGCTGTTTTTCCTTCTGAGTTGGGGACTACCAGCTTTTGTGGTGATTCTCCTCA[T>C]AGTTATTTTGAAAGGAATCTATCATCAGAGCATGTCACAGATCTATGGACTCATTCATGG-3'
Protein context (NP_115495.3, residues 6019-6039): GLPAFVVILL[Ile6029Thr]VILKGIYHQS

ClinVar aggregate classification (germline): Uncertain significance (1 of 4 stars; one submission).

Allele frequency attached by ClinVar (database versions not stated): gnomAD exomes below 0.00001.
gnomAD v4.1: 1 of 1,613,824 alleles (0.000062%); highest among the groups gnomAD compares: Non-Finnish European, 0.000085%; no homozygotes.

Submission:

Labcorp Genetics (formerly Invitae), Labcorp
Classification: Uncertain significance. Last evaluated: 2022-06-08. Review status: criteria provided, single submitter. Criteria: Invitae Variant Classification Sherloc (09022015). Collection method: clinical testing. Allele origin: germline.
Comment: This variant is not present in population databases (gnomAD no frequency). This sequence change replaces isoleucine, which is neutral and non-polar, with threonine, which is neutral and polar, at codon 6029 of the ADGRV1 protein (p.Ile6029Thr). This variant has not been reported in the literature in individuals affected with ADGRV1-related conditions. In summary, the available evidence is currently insufficient to determine the role of this variant in disease. Therefore, it has been classified as a Variant of Uncertain Significance. Algorithms developed to predict the effect of missense changes on protein structure and function are either unavailable or do not agree on the potential impact of this missense change (SIFT: "Deleterious"; PolyPhen-2: "Possibly Damaging"; Align-GVGD: "Class C0").